The following is an entry in ClinVar:

NM_001367561.1(DOCK7):c.1334G>A (p.Arg445Gln)

Gene: DOCK7 (dedicator of cytokinesis 7; minus strand). Cytogenetic location: 1p31.3.
Variant type: single nucleotide variant.
Coding change: c.1334G>A on transcript NM_001367561.1 (MANE Select); coding-DNA position 1334, G replaced by A.
Protein change: p.Arg445Gln; replaces arginine 445 with glutamine.
Molecular consequence: missense variant.
Genome position (GRCh38, 1-based): chr1:62,625,350, C>T on the plus strand (G>A on the coding strand, the complement: DOCK7 is on the minus strand). VCF-style: chr1-62625350-C-T. GRCh37 (hg19) VCF-style: chr1-63091021-C-T.
Other names: c.1334G>A, p.Arg445Gln (NM_001271999.2, NM_001272000.2, NM_001272001.2 and 3 more transcripts); short protein forms R445Q.
Identifiers: ClinVar variation 2051847 (VCV002051847.4), dbSNP rs1200778243, ClinGen allele CA340617028.
Genomic context (GRCh38, chr1:62,625,350, plus strand): 5'-GCTGGTCGAAAGCTCGTCAAGTTACAAGCATCATCTCCACTTGTTGTCCTTTCAAGTGAT[C>T]GTCTGCCAACAATACTAGAATTCCTCCTCTCTGACCAAGACCCTTTTCGTTCTACAAAAG-3'
Protein context (NP_001354490.1, residues 435-455): ERRNSSIVGR[Arg445Gln]SLERTTSGDD

ClinVar aggregate classification (germline): Uncertain significance (1 of 4 stars; one submission).

Conditions:
Developmental and epileptic encephalopathy, 23 (DEE23). Also called: Epileptic encephalopathy, early infantile, 23. Identifiers: Orphanet 411986, MedGen C4014492, MONDO:0014371, OMIM 615859.

Allele frequency attached by ClinVar (database versions not stated): gnomAD exomes 0.00001; TOPMed below 0.00001.
gnomAD v4.1: 7 of 1,613,384 alleles (0.00043%); highest among the groups gnomAD compares: South Asian, 0.0011%; no homozygotes.

Submission:

Labcorp Genetics (formerly Invitae), Labcorp
Classification: Uncertain significance for Developmental and epileptic encephalopathy, 23. Last evaluated: 2025-08-21. Review status: criteria provided, single submitter. Criteria: Invitae Variant Classification Sherloc (09022015). Collection method: clinical testing. Allele origin: germline.
Comment: This sequence change replaces arginine, which is basic and polar, with glutamine, which is neutral and polar, at codon 445 of the DOCK7 protein (p.Arg445Gln). This variant is present in population databases (no rsID available, gnomAD 0.01%). This variant has not been reported in the literature in individuals affected with DOCK7-related conditions. ClinVar contains an entry for this variant (Variation ID: 2051847). Invitae Evidence Modeling of protein sequence and biophysical properties (such as structural, functional, and spatial information, amino acid conservation, physicochemical variation, residue mobility, and thermodynamic stability) indicates that this missense variant is not expected to disrupt DOCK7 protein function with a negative predictive value of 80%. In summary, the available evidence is currently insufficient to determine the role of this variant in disease. Therefore, it has been classified as a Variant of Uncertain Significance.